The following is an entry in ClinVar:

NM_001042492.3(NF1):c.8072A>G (p.His2691Arg)

Gene: NF1 (neurofibromin 1; plus strand). Cytogenetic location: 17q11.2.
Variant type: single nucleotide variant.
Coding change: c.8072A>G on transcript NM_001042492.3 (MANE Select); coding-DNA position 8072, A replaced by G.
Protein change: p.His2691Arg; replaces histidine 2691 with arginine.
Molecular consequence: missense variant.
Genome position (GRCh38, 1-based): chr17:31,358,581, A>G. VCF-style: chr17-31358581-A-G. GRCh37 (hg19) VCF-style: chr17-29685599-A-G.
Other names: c.8009A>G, p.His2670Arg (NM_000267.4); short protein forms H2691R, H2670R.
Identifiers: ClinVar variation 647245 (VCV000647245.5), dbSNP rs1597868213, ClinGen allele CA399203868.

ClinVar aggregate classification (germline): Uncertain significance (1 of 4 stars; one submission).

Conditions:
Neurofibromatosis, type 1 (NF1). Also called: VON RECKLINGHAUSEN DISEASE; Neurofibromatosis, type I; NEUROFIBROMATOSIS, TYPE I, SOMATIC; Peripheral type neurofibromatosis. Identifiers: Orphanet 636, MedGen C0027831, MONDO:0018975, OMIM 162200. Disease mechanism: loss of function.

Submission:

Labcorp Genetics (formerly Invitae), Labcorp
Classification: Uncertain significance for Neurofibromatosis, type 1. Last evaluated: 2022-10-04. Review status: criteria provided, single submitter. Criteria: Invitae Variant Classification Sherloc (09022015). Collection method: clinical testing. Allele origin: germline.
Comment: In summary, the available evidence is currently insufficient to determine the role of this variant in disease. Therefore, it has been classified as a Variant of Uncertain Significance. Advanced modeling of protein sequence and biophysical properties (such as structural, functional, and spatial information, amino acid conservation, physicochemical variation, residue mobility, and thermodynamic stability) has been performed at Invitae for this missense variant, however the output from this modeling did not meet the statistical confidence thresholds required to predict the impact of this variant on NF1 protein function. ClinVar contains an entry for this variant (Variation ID: 647245). This variant has not been reported in the literature in individuals affected with NF1-related conditions. This variant is not present in population databases (gnomAD no frequency). This sequence change replaces histidine, which is basic and polar, with arginine, which is basic and polar, at codon 2670 of the NF1 protein (p.His2670Arg).